The following is an entry in ClinVar:

NM_016038.4(SBDS):c.53_56dup (p.Met20fs)

Gene: SBDS (SBDS ribosome maturation factor; minus strand). Cytogenetic location: 7q11.21.
Variant type: Duplication.
Coding change: c.53_56dup on transcript NM_016038.4 (MANE Select); coding-DNA positions 53 to 56, 4 bases duplicated (TACG; older notation c.53_56dupTACG).
Protein change: p.Met20fs; shifts the reading frame from methionine 20.
Molecular consequence: frameshift variant.
Genome position (GRCh38, 1-based): chr7:66,995,362-66,995,365, CGTA duplicated on the plus strand (TACG on the coding strand, the reverse complement: SBDS is on the minus strand); duplicating any 4 consecutive bases within chr7:66,995,362-66,995,366 gives the same sequence; the c. name uses the placement nearest the transcript's 3' end. VCF-style (leftmost placement, unchanged base first): chr7-66995361-C-CCGTA. GRCh37 (hg19) VCF-style: chr7-66460348-C-CCGTA.
Other names: c.53_56dupTACG (NM_016038.2); short protein forms M20fs.
Identifiers: ClinVar variation 2238012 (VCV002238012.2), dbSNP rs1490467134, ClinGen allele CA841346150.

ClinVar aggregate classification (germline): Pathogenic (1 of 4 stars; one submission).

Conditions:
Inborn genetic diseases. Identifiers: MedGen C0950123, MeSH D030342.

Submission:

Ambry Genetics
Classification: Pathogenic for Inborn genetic diseases. Last evaluated: 2021-07-27. Review status: criteria provided, single submitter. Criteria: Ambry Variant Classification Scheme 2023. Collection method: clinical testing. Allele origin: germline.
Comment: The c.53_56dupTACG (p.M20Tfs*31) alteration, located in exon 1 (coding exon 1) of the SBDS gene, consists of a duplication of TACG at position 53, causing a translational frameshift with a predicted alternate stop codon after 31 amino acids. This alteration is expected to result in loss of function by premature protein truncation or nonsense-mediated mRNA decay. This variant was not reported in population-based cohorts in the Genome Aggregation Database (gnomAD). Based on the available evidence, this alteration is classified as pathogenic.